The following is an entry in ClinVar:

NM_003628.6(PKP4):c.2967T>A (p.Asn989Lys)

Genes: PKP4 (plakophilin 4; plus strand), PKP4-AS1 (PKP4 antisense RNA 1; minus strand). Cytogenetic location: 2q24.1.
Variant type: single nucleotide variant.
Coding change: c.2967T>A on transcript NM_003628.6 (MANE Select); coding-DNA position 2967, T replaced by A.
Protein change: p.Asn989Lys; replaces asparagine 989 with lysine.
Molecular consequence: missense variant.
Genome position (GRCh38, 1-based): chr2:158,673,719, T>A. VCF-style: chr2-158673719-T-A. GRCh37 (hg19) VCF-style: chr2-159530231-T-A.
Other names: c.2967T>A, p.Asn989Lys (NM_001005476.4, NM_001377218.1, NM_001377225.1); c.2964T>A, p.Asn988Lys (NM_001304969.3, NM_001377219.1, NM_001377220.1 and 2 more transcripts); c.1938T>A, p.Asn646Lys (NM_001304970.3); c.2961T>A, p.Asn987Lys (NM_001377222.1, NM_001377223.1); c.2958T>A, p.Asn986Lys (NM_001377224.1); short protein forms N986K, N987K, N646K, N988K, N989K.
Identifiers: ClinVar variation 1798235 (VCV001798235.2), dbSNP rs1415108164, ClinGen allele CA348906477.

ClinVar aggregate classification (germline): Uncertain significance (1 of 4 stars; one submission).

Allele frequency attached by ClinVar (database versions not stated): gnomAD exomes below 0.00001; TOPMed below 0.00001.
gnomAD v4.1: 1 of 1,613,430 alleles (0.000062%); highest among the groups gnomAD compares: African/African-American, 0.0013%; no homozygotes.

Submission:

Ambry Genetics
Classification: Uncertain significance. Last evaluated: 2023-10-12. Review status: criteria provided, single submitter. Criteria: Ambry Variant Classification Scheme 2023. Collection method: clinical testing. Allele origin: germline.
Comment: The p.N989K variant (also known as c.2967T>A), located in coding exon 17 of the PKP4 gene, results from a T to A substitution at nucleotide position 2967. The asparagine at codon 989 is replaced by lysine, an amino acid with similar properties. This amino acid position is conserved. In addition, this alteration is predicted to be tolerated by in silico analysis. Since supporting evidence is limited at this time, the clinical significance of this alteration remains unclear.